The following is an entry in ClinVar:

ClinVar aggregate classification (germline): Pathogenic (3 of 4 stars; one submission).

Conditions:
Lynch syndrome. Identifiers: Orphanet 144, MedGen C4552100, MONDO:0005835. Disease mechanism: loss of function.

Submission:

International Society for Gastrointestinal Hereditary Tumours (InSiGHT)
Classification: Pathogenic for Lynch Syndrome. Last evaluated: 2013-09-05. Review status: reviewed by expert panel. Criteria: Guidelines v1.9. Collection method: research. Allele origin: germline.
Comment: Multifactorial likelihood analysis posterior probability >0.99

Classified with v1.9 guidelines

NM_000179.3(MSH6):c.1193T>A (p.Val398Glu)

Gene: MSH6 (mutS homolog 6; plus strand). Cytogenetic location: 2p16.3.
Variant type: single nucleotide variant.
Coding change: c.1193T>A on transcript NM_000179.3 (MANE Select); coding-DNA position 1193, T replaced by A.
Protein change: p.Val398Glu; replaces valine 398 with glutamic acid.
Molecular consequence: missense variant.
Genome position (GRCh38, 1-based): chr2:47,799,176, T>A. VCF-style: chr2-47799176-T-A. GRCh37 (hg19) VCF-style: chr2-48026315-T-A.
Other names: c.803T>A, p.Val268Glu (NM_001281492.2); c.287T>A, p.Val96Glu (NM_001281493.2, NM_001281494.2); short protein forms V398E, V268E, V96E.
Identifiers: ClinVar variation 89179 (VCV000089179.2), dbSNP rs587779208, ClinGen allele CA008305.
Genomic context (GRCh38, chr2:47,799,176, plus strand): 5'-GAAGAGATGAGCACAGGAGGAGGCCTGATCACCCCGATTTTGATGCATCTACACTCTATG[T>A]GCCTGAGGATTTCCTCAATTCTTGTACTCCTGGGATGAGGAAGTGGTGGCAGATTAAGTC-3'
Protein context (NP_000170.1, residues 388-408): HPDFDASTLY[Val398Glu]PEDFLNSCTP